The following is an entry in ClinVar:

NM_000548.5(TSC2):c.1489C>T (p.Pro497Ser)

Gene: TSC2 (TSC complex subunit 2; plus strand). Cytogenetic location: 16p13.3.
Variant type: single nucleotide variant.
Coding change: c.1489C>T on transcript NM_000548.5 (MANE Select); coding-DNA position 1489, C replaced by T.
Protein change: p.Pro497Ser; replaces proline 497 with serine.
Molecular consequence: missense variant. On other transcripts: 5 prime UTR variant (1), non-coding transcript variant (5).
Genome position (GRCh38, 1-based): chr16:2,064,317, C>T. VCF-style: chr16-2064317-C-T. GRCh37 (hg19) VCF-style: chr16-2114318-C-T.
Other names: c.1489C>T, p.Pro497Ser (NM_001077183.3, NM_001114382.3, NM_001363528.2 and 6 more transcripts); c.1378C>T, p.Pro460Ser (NM_001318827.2, NM_001406670.1, NM_001406678.1); c.1342C>T, p.Pro448Ser (NM_001318829.2, NM_001406675.1, NM_001406676.1 and 1 more transcripts); c.889C>T, p.Pro297Ser (NM_001318831.2, NM_001406680.1, NM_001406682.1 and 6 more transcripts); c.1522C>T, p.Pro508Ser (NM_001318832.2); c.1579C>T, p.Pro527Ser (NM_001406667.1, NM_001406668.1); c.1477C>T, p.Pro493Ser (NM_001406671.1, NM_001406673.1); c.1432C>T, p.Pro478Ser (NM_001406677.1); and 3 more; short protein forms P297S, P497S, P508S, P527S, P343S, P460S, P478S, P448S.
Identifiers: ClinVar variation 3637194 (VCV003637194.2).

ClinVar aggregate classification (germline): Uncertain significance (1 of 4 stars; one submission).

Conditions:
Tuberous sclerosis 2 (TSC2). Identifiers: Orphanet 805, MedGen C1860707, MONDO:0013199, OMIM 613254.

Submission:

Labcorp Genetics (formerly Invitae), Labcorp
Classification: Uncertain significance for Tuberous sclerosis 2. Last evaluated: 2024-05-23. Review status: criteria provided, single submitter. Criteria: Invitae Variant Classification Sherloc (09022015). Collection method: clinical testing. Allele origin: germline.
Comment: This sequence change replaces proline, which is neutral and non-polar, with serine, which is neutral and polar, at codon 497 of the TSC2 protein (p.Pro497Ser). This variant is not present in population databases (gnomAD no frequency). This variant has not been reported in the literature in individuals affected with TSC2-related conditions. Advanced modeling of protein sequence and biophysical properties (such as structural, functional, and spatial information, amino acid conservation, physicochemical variation, residue mobility, and thermodynamic stability) performed at Invitae indicates that this missense variant is not expected to disrupt TSC2 protein function with a negative predictive value of 95%. In summary, the available evidence is currently insufficient to determine the role of this variant in disease. Therefore, it has been classified as a Variant of Uncertain Significance.